The following is an entry in ClinVar:

ClinVar aggregate classification (germline): Conflicting classifications of pathogenicity. Review status: criteria provided, conflicting classifications (1 of 4 stars). 2 submissions from 2 submitters: Uncertain significance (1); Likely benign (1). Last evaluated 2021-12-17.

Submissions (2):

Labcorp Genetics (formerly Invitae), Labcorp
Classification: Uncertain significance. Last evaluated: 2021-12-17. Review status: criteria provided, single submitter. Criteria: Invitae Variant Classification Sherloc (09022015). Collection method: clinical testing. Allele origin: germline.
Comment: In summary, the available evidence is currently insufficient to determine the role of this variant in disease. Therefore, it has been classified as a Variant of Uncertain Significance. Algorithms developed to predict the effect of sequence changes on RNA splicing suggest that this variant may create or strengthen a splice site. Algorithms developed to predict the effect of missense changes on protein structure and function output the following: SIFT: "Tolerated"; PolyPhen-2: "Benign"; Align-GVGD: "Class C0". The isoleucine amino acid residue is found in multiple mammalian species, which suggests that this missense change does not adversely affect protein function. This variant has not been reported in the literature in individuals affected with TNNI3K-related conditions. This variant is not present in population databases (gnomAD no frequency). This sequence change replaces methionine, which is neutral and non-polar, with isoleucine, which is neutral and non-polar, at codon 220 of the TNNI3K protein (p.Met220Ile).

Blueprint Genetics
Classification: Likely benign. Last evaluated: 2019-08-16. Review status: criteria provided, single submitter. Criteria: ACMG Guidelines, 2015. Collection method: clinical testing. Allele origin: germline.

NM_015978.3(TNNI3K):c.660G>A (p.Met220Ile)

Genes: FPGT-TNNI3K (FPGT-TNNI3K readthrough; plus strand), TNNI3K (TNNI3 interacting kinase; plus strand). Cytogenetic location: 1p31.1.
Variant type: single nucleotide variant.
Coding change: c.660G>A on transcript NM_015978.3 (MANE Select); coding-DNA position 660, G replaced by A.
Protein change: p.Met220Ile; replaces methionine 220 with isoleucine.
Molecular consequence: missense variant.
Genome position (GRCh38, 1-based): chr1:74,336,127, G>A. VCF-style: chr1-74336127-G-A. GRCh37 (hg19) VCF-style: chr1-74801811-G-A.
Other names: c.963G>A, p.Met321Ile (NM_001112808.3, NM_001199327.2); short protein forms M220I, M321I.
Identifiers: ClinVar variation 2044566 (VCV002044566.5), dbSNP rs2524333255, ClinGen allele CA340780612.